The following is an entry in ClinVar:

ClinVar aggregate classification (germline): Uncertain significance (1 of 4 stars; one submission).

Conditions:
RASopathy. Also called: Noonan spectrum disorder; rasopathies. Identifiers: Orphanet 536391, MedGen C5555857, MONDO:0021060.

Allele frequency attached by ClinVar (database versions not stated): gnomAD exomes below 0.00001.
gnomAD v4.1: 1 of 1,614,116 alleles (0.000062%); highest among the groups gnomAD compares: Non-Finnish European, 0.000085%; no homozygotes.

Submission:

Labcorp Genetics (formerly Invitae), Labcorp
Classification: Uncertain significance for RASopathy. Last evaluated: 2017-12-05. Review status: criteria provided, single submitter. Criteria: Invitae Variant Classification Sherloc (09022015). Collection method: clinical testing. Allele origin: germline.
Comment: In summary, the available evidence is currently insufficient to determine the role of this variant in disease. Therefore, it has been classified as a Variant of Uncertain Significance. Algorithms developed to predict the effect of missense changes on protein structure and function (SIFT, PolyPhen-2, Align-GVGD) all suggest that this variant is likely to be tolerated, but these predictions have not been confirmed by published functional studies and their clinical significance is uncertain. This variant has not been reported in the literature in individuals with MAP2K1-related disease. This variant is not present in population databases (ExAC no frequency). This sequence change replaces proline with leucine at codon 306 of the MAP2K1 protein (p.Pro306Leu). The proline residue is moderately conserved and there is a moderate physicochemical difference between proline and leucine.

NM_002755.4(MAP2K1):c.917C>T (p.Pro306Leu)

Gene: MAP2K1 (mitogen-activated protein kinase kinase 1; plus strand). Cytogenetic location: 15q22.31.
Variant type: single nucleotide variant.
Coding change: c.917C>T on transcript NM_002755.4 (MANE Select); coding-DNA position 917, C replaced by T.
Protein change: p.Pro306Leu; replaces proline 306 with leucine.
Molecular consequence: missense variant.
Genome position (GRCh38, 1-based): chr15:66,487,249, C>T. VCF-style: chr15-66487249-C-T. GRCh37 (hg19) VCF-style: chr15-66779587-C-T.
Other names: short protein forms P306L.
Identifiers: ClinVar variation 543980 (VCV000543980.8), dbSNP rs1555420826, ClinGen allele CA392937508.